The following is an entry in ClinVar:

ClinVar aggregate classification (germline): Uncertain significance. Review status: criteria provided, multiple submitters, no conflicts (2 of 4 stars). 2 submissions from 2 submitters: Uncertain significance (2). Last evaluated 2025-07-21.

Allele frequency attached by ClinVar (database versions not stated): gnomAD exomes below 0.00001; TOPMed below 0.00001; ExAC 0.00001; gnomAD 0.00001.

Submissions (2):

GeneDx
Classification: Uncertain significance. Last evaluated: 2025-07-21. Review status: criteria provided, single submitter. Criteria: GeneDx Variant Classification Process June 2021. Collection method: clinical testing. Allele origin: germline. Affected: yes.
Comment: In silico analysis supports that this missense variant has a deleterious effect on protein structure/function; Has not been previously published as pathogenic or benign to our knowledge

Labcorp Genetics (formerly Invitae), Labcorp
Classification: Uncertain significance. Last evaluated: 2021-09-02. Review status: criteria provided, single submitter. Criteria: Invitae Variant Classification Sherloc (09022015). Collection method: clinical testing. Allele origin: germline.

NC_000001.11:g.39084297A>G

Gene: MACF1 (microtubule actin crosslinking factor 1; plus strand). Cytogenetic location: 1p34.3.
Variant type: single nucleotide variant.
Molecular consequence: missense variant (on NM_012090.5).
Genome position: GRCh38 VCF-style: chr1-39084297-A-G. GRCh37 (hg19) VCF-style: chr1-39549969-A-G.
Other names: c.79A>G, p.Arg27Gly (NM_012090.5); short protein forms R27G.
Identifiers: ClinVar variation 1026897 (VCV001026897.6), dbSNP rs772416849, ClinGen allele CA779019.
Genomic context (GRCh38, chr1:39,084,297, plus strand): 5'-GAGACGCTCAGTGAGCGGTCATGTCGGAGTGAGCGGTCTTGTCGGAGTGAGCGATCTTAC[A>G]GGAGCGAGCGGTCGGGGAGCCTGTCTCCCTGTCCCCCAGGGGACACCTTGCCCTGGAACC-3'